The following is an entry in ClinVar:

NM_000551.4(VHL):c.421A>C (p.Asn141His)

Genes: VHL (von Hippel-Lindau tumor suppressor; plus strand), LOC107303340 (3p25 von Hippel-Lindau tumor suppressor, E3 ubiquitin protein ligase Alu-mediated recombination region; plus strand). Cytogenetic location: 3p25.3.
Variant type: single nucleotide variant.
Coding change: c.421A>C on transcript NM_000551.4 (MANE Select); coding-DNA position 421, A replaced by C.
Protein change: p.Asn141His; replaces asparagine 141 with histidine.
Molecular consequence: missense variant. On other transcripts: intron variant (2).
Genome position (GRCh38, 1-based): chr3:10,146,594, A>C. VCF-style: chr3-10146594-A-C. GRCh37 (hg19) VCF-style: chr3-10188278-A-C.
Other names: c.*18-3193A>C (NM_001354723.2); c.341-3193A>C (NM_198156.3); short protein forms N141H.
Identifiers: ClinVar variation 937569 (VCV000937569.11), dbSNP rs1696265107, ClinGen allele CA351754131.

ClinVar aggregate classification (germline): Conflicting classifications of pathogenicity. Review status: criteria provided, conflicting classifications (1 of 4 stars). 2 submissions from 2 submitters: Uncertain significance (1); Likely benign (1). Last evaluated 2025-11-18.

Conditions:
Von Hippel-Lindau syndrome (VHLS). Also called: VHL syndrome; Von Hippel-Lindau; von Hippel–Lindau syndrome. Identifiers: Orphanet 892, MedGen C0019562, MONDO:0008667, OMIM 193300. Disease mechanism: loss of function.
Chuvash polycythemia. Also called: POLYCYTHEMIA, VHL-DEPENDENT. Identifiers: Orphanet 238557, MedGen C1837915, MONDO:0009892, OMIM 263400.
Hereditary cancer-predisposing syndrome. Also called: Tumor predisposition; Hereditary neoplastic syndrome; Neoplastic Syndromes, Hereditary; Hereditary Cancer Syndrome. Identifiers: Orphanet 140162, MedGen C0027672, MeSH D009386, MONDO:0015356.

Submissions (2):

Ambry Genetics
Classification: Likely benign for Hereditary cancer-predisposing syndrome. Last evaluated: 2025-11-18. Review status: criteria provided, single submitter. Criteria: Ambry Variant Classification Scheme 2023. Collection method: clinical testing. Allele origin: germline.

Labcorp Genetics (formerly Invitae), Labcorp
Classification: Uncertain significance for Von Hippel-Lindau syndrome; Chuvash polycythemia. Last evaluated: 2023-10-20. Review status: criteria provided, single submitter. Criteria: Invitae Variant Classification Sherloc (09022015). Collection method: clinical testing. Allele origin: germline.
Comment: This sequence change replaces asparagine, which is neutral and polar, with histidine, which is basic and polar, at codon 141 of the VHL protein (p.Asn141His). This variant is not present in population databases (gnomAD no frequency). This variant has not been reported in the literature in individuals affected with VHL-related conditions. ClinVar contains an entry for this variant (Variation ID: 937569). Advanced modeling of protein sequence and biophysical properties (such as structural, functional, and spatial information, amino acid conservation, physicochemical variation, residue mobility, and thermodynamic stability) performed at Invitae indicates that this missense variant is expected to disrupt VHL protein function. In summary, the available evidence is currently insufficient to determine the role of this variant in disease. Therefore, it has been classified as a Variant of Uncertain Significance.

Literature cited by the submitters: PubMed 38969834 (cited by Ambry Genetics).